The following is an entry in ClinVar:

NM_174936.4(PCSK9):c.2070G>C (p.Glu690Asp)

Gene: PCSK9 (proprotein convertase subtilisin/kexin type 9; plus strand). Cytogenetic location: 1p32.3.
Variant type: single nucleotide variant.
Coding change: c.2070G>C on transcript NM_174936.4 (MANE Select); coding-DNA position 2070, G replaced by C.
Protein change: p.Glu690Asp; replaces glutamic acid 690 with aspartic acid.
Molecular consequence: missense variant. On other transcripts: non-coding transcript variant (8).
Genome position (GRCh38, 1-based): chr1:55,063,575, G>C. VCF-style: chr1-55063575-G-C. GRCh37 (hg19) VCF-style: chr1-55529248-G-C.
Other names: c.2193G>C, p.Glu731Asp (NM_001407240.1); c.2112G>C, p.Glu704Asp (NM_001407241.1); c.2073G>C, p.Glu691Asp (NM_001407242.1); c.2013G>C, p.Glu671Asp (NM_001407243.1); c.1896G>C, p.Glu632Asp (NM_001407244.1); c.1878G>C, p.Glu626Asp (NM_001407245.1); c.1695G>C, p.Glu565Asp (NM_001407246.1); c.1569G>C, p.Glu523Asp (NM_001407247.1); short protein forms E523D, E565D, E626D, E632D, E671D, E690D, E691D, E704D.
Identifiers: ClinVar variation 4759061 (VCV004759061.1).

ClinVar aggregate classification (germline): Uncertain significance (1 of 4 stars; one submission).

Conditions:
Familial hypercholesterolemia. Also called: Familial hypercholesterolaemia. Identifiers: MedGen C0020445, MONDO:0005439.

Submission:

Color Diagnostics, LLC DBA Color Health
Classification: Uncertain significance for Familial hypercholesterolemia. Last evaluated: 2025-07-25. Review status: criteria provided, single submitter. Criteria: ACMG Guidelines, 2015. Collection method: clinical testing. Allele origin: germline.
Comment: This missense variant replaces glutamic acid with aspartic acid at codon 690 of the PCSK9 protein. Computational prediction suggests that this variant may not impact protein structure and function. To our knowledge, functional studies have not been reported for this variant. This variant has not been reported in individuals affected with PCSK9-related disorders in the literature. This variant has not been identified in the general population by the Genome Aggregation Database (gnomAD). The available evidence is insufficient to determine the role of this variant in disease conclusively. Therefore, this variant is classified as a Variant of Uncertain Significance.